The following is an entry in ClinVar:

ClinVar aggregate classification (germline): Benign (1 of 4 stars; one submission).

Conditions:
Congenital stationary night blindness autosomal dominant 3. Also called: NIGHT BLINDNESS, CONGENITAL STATIONARY, NOUGARET TYPE. Identifiers: Orphanet 215, MedGen C1864870, MONDO:0012497, OMIM 610444.

Allele frequency attached by ClinVar (database versions not stated): 1000 Genomes Project 0.01577; 1000 Genomes Project 30x 0.01608; gnomAD 0.01693 and 0.01823; TOPMed 0.01954.

Submission:

Illumina Laboratory Services, Illumina
Classification: Benign for Congenital stationary night blindness autosomal dominant 3. Last evaluated: 2018-01-12. Review status: criteria provided, single submitter. Criteria: ICSL Variant Classification Criteria 13 December 2019. Collection method: clinical testing. Allele origin: germline.
Comment: This variant was observed in the ICSL laboratory as part of a predisposition screen in an ostensibly healthy population. It had not been previously curated by ICSL or reported in the Human Gene Mutation Database (HGMD: prior to June 1st, 2018), and was therefore a candidate for classification through an automated scoring system. Utilizing variant allele frequency, disease prevalence and penetrance estimates, and inheritance mode, an automated score was calculated to assess if this variant is too frequent to cause the disease. Based on the score and internal cut-off values, a variant classified as benign is not then subjected to further curation. The score for this variant resulted in a classification of benign for this disease.

NM_144499.3(GNAT1):c.*1397G>T

Gene: GNAT1 (G protein subunit alpha transducin 1; plus strand). Cytogenetic location: 3p21.31.
Variant type: single nucleotide variant.
Coding change: c.*1397G>T on transcript NM_144499.3 (MANE Select); 1397 bases downstream of the stop codon, G replaced by T.
Molecular consequence: 3 prime UTR variant.
Genome position (GRCh38, 1-based): chr3:50,196,663, G>T. VCF-style: chr3-50196663-G-T. GRCh37 (hg19) VCF-style: chr3-50234096-G-T.
Other names: c.*263G>T (NM_000172.4).
Identifiers: ClinVar variation 346069 (VCV000346069.5), dbSNP rs74718377, ClinGen allele CA10616363.